The following is an entry in ClinVar:

NM_001958.5(EEF1A2):c.1313_1345dup (p.Ala448_Gly449insValLysAsnValGluLysLysSerGlyGlyAla)

Gene: EEF1A2 (eukaryotic translation elongation factor 1 alpha 2; minus strand). Cytogenetic location: 20q13.33.
Variant type: Duplication.
Coding change: c.1313_1345dup on transcript NM_001958.5 (MANE Select); coding-DNA positions 1313 to 1345, 33 bases duplicated.
Protein change: p.Ala448_Gly449insValLysAsnValGluLysLysSerGlyGlyAla.
Molecular consequence: inframe insertion.
Genome position (GRCh38, 1-based): chr20:63,488,345-63,488,377, 33 bases duplicated. GRCh37 (hg19): chr20:62,119,698-62,119,730.
Identifiers: ClinVar variation 3899650 (VCV003899650.1).
Genomic context (GRCh38, chr20:63,488,344, plus strand): 5'-CGGGCGCCCGCGCTTCACTTGCCCGCCTTCTGCGCCTTCTGCGCCGACTTGGTGACCTTG[C>CCGGCGCCGCCGCTCTTCTTCTCCACGTTCTTGA]CGGCGCCGCCGCTCTTCTTCTCCACGTTCTTGATGACGCCTACGGCCACCGTCTGCCTCA-3'

ClinVar aggregate classification (germline): Uncertain significance (1 of 4 stars; one submission).

Submission:

GeneDx
Classification: Uncertain significance. Last evaluated: 2024-11-14. Review status: criteria provided, single submitter. Criteria: GeneDx Variant Classification Process June 2021. Collection method: clinical testing. Allele origin: germline. Affected: yes.
Comment: Not observed at significant frequency in large population cohorts (gnomAD); In-frame duplication of 11 amino acids in a non-repeat region; Has not been previously published as pathogenic or benign to our knowledge